The following is an entry in ClinVar:

NM_000548.5(TSC2):c.1865G>A (p.Arg622Gln)

Gene: TSC2 (TSC complex subunit 2; plus strand). Cytogenetic location: 16p13.3.
Variant type: single nucleotide variant.
Coding change: c.1865G>A on transcript NM_000548.5 (MANE Select); coding-DNA position 1865, G replaced by A.
Protein change: p.Arg622Gln; replaces arginine 622 with glutamine.
Molecular consequence: missense variant.
Genome position (GRCh38, 1-based): chr16:2,071,535, G>A. VCF-style: chr16-2071535-G-A. GRCh37 (hg19) VCF-style: chr16-2121536-G-A.
Other names: p.R622Q:CGG>CAG; c.1865G>A, p.Arg622Gln (NM_001077183.3, NM_001114382.3, NM_001363528.2 and 3 more transcripts); c.1754G>A, p.Arg585Gln (NM_001318827.2); c.1718G>A, p.Arg573Gln (NM_001318829.2); c.1265G>A, p.Arg422Gln (NM_001318831.2); c.1898G>A, p.Arg633Gln (NM_001318832.2); c.1865G>A (NM_000548.4); short protein forms R622Q, R633Q, R573Q, R585Q, R422Q.
Identifiers: ClinVar variation 49774 (VCV000049774.30), dbSNP rs45517206, ClinGen allele CA016094.

ClinVar aggregate classification (germline): Conflicting classifications of pathogenicity. Review status: criteria provided, conflicting classifications (1 of 4 stars). 11 submissions from 11 submitters: Uncertain significance (2); Benign (2); Likely benign (5). 2 of the submissions do not count toward it. Last evaluated 2026-02-04.

Conditions:
TSC2-related disorder. Also called: TSC2-Related Disorders; TSC2-related condition.
Hereditary cancer-predisposing syndrome. Also called: Tumor predisposition; Neoplastic Syndromes, Hereditary; Hereditary neoplastic syndrome; Hereditary Cancer Syndrome. Identifiers: Orphanet 140162, MedGen C0027672, MeSH D009386, MONDO:0015356.
Tuberous sclerosis syndrome (TSC). Also called: Tuberous Sclerosis Complex; Tuberous sclerosis. Identifiers: Orphanet 805, MedGen C0041341, MONDO:0001734.
Tuberous sclerosis 2 (TSC2). Identifiers: Orphanet 805, MedGen C1860707, MONDO:0013199, OMIM 613254.

Allele frequency attached by ClinVar (database versions not stated): gnomAD 0.00003 and 0.00004; gnomAD exomes 0.00004 and 0.00006; TOPMed 0.00006; ExAC 0.00009; ESP Exome Variant Server 0.00015; 1000 Genomes Project 30x 0.00016; 1000 Genomes Project 0.00020.
gnomAD v4.1: 57 of 1,613,576 alleles (0.0035%); highest among the groups gnomAD compares: South Asian, 0.012%; no homozygotes.

Submissions (12):

Labcorp Genetics (formerly Invitae), Labcorp
Classification: Benign for Tuberous sclerosis 2. Last evaluated: 2026-02-04. Review status: criteria provided, single submitter. Criteria: Invitae Variant Classification Sherloc (09022015). Collection method: clinical testing. Allele origin: germline.

Myriad Genetics, Inc.
Classification: Likely benign for Tuberous sclerosis 2. Last evaluated: 2025-05-16. Review status: criteria provided, single submitter. Criteria: Myriad Autosomal Dominant, Autosomal Recessive and X-Linked Classification Criteria (2023). Collection method: clinical testing. Allele origin: unknown.
Comment: This variant is considered likely benign. This variant has been observed at a population frequency that is significantly greater than expected given the associated disease prevalence and penetrance.

All of Us Research Program, National Institutes of Health
Classification: Uncertain significance for Tuberous sclerosis syndrome. Last evaluated: 2024-07-29. Review status: criteria provided, single submitter. Criteria: ACMG Guidelines, 2015. Collection method: clinical testing. Allele origin: germline. Inheritance: Autosomal dominant inheritance. Observed: 15 variant alleles, 15 heterozygotes.
Comment: This missense variant replaces arginine with glutamine at codon 622 of the TSC2 protein. Computational prediction suggests that this variant may have deleterious impact on protein structure and function (internally defined REVEL score threshold >= 0.7, PMID: 27666373). To our knowledge, functional studies have not been reported for this variant. This variant has not been reported in individuals affected with tuberous sclerosis complex in the literature. This variant has been identified in 18/281792 chromosomes in the general population by the Genome Aggregation Database (gnomAD). The available evidence is insufficient to determine the role of this variant in disease conclusively. Therefore, this variant is classified as a Variant of Uncertain Significance.

This study involves interpretation of variants in research participants for the purpose of population health screening. Participant phenotype was not available at the time of variant classification. Additional details can be found in publication PMID: 35346344, PMCID: PMC8962531

Color Diagnostics, LLC DBA Color Health
Classification: Uncertain significance for Tuberous sclerosis syndrome. Last evaluated: 2024-05-01. Review status: criteria provided, single submitter. Criteria: ACMG Guidelines, 2015. Collection method: clinical testing. Allele origin: germline.
Comment: This missense variant replaces arginine with glutamine at codon 622 of the TSC2 protein. Computational prediction suggests that this variant may have deleterious impact on protein structure and function. To our knowledge, functional studies have not been reported for this variant. This variant has not been reported in individuals affected with tuberous sclerosis complex in the literature. This variant has been identified in 18/281792 chromosomes in the general population by the Genome Aggregation Database (gnomAD). The available evidence is insufficient to determine the role of this variant in disease conclusively. Therefore, this variant is classified as a Variant of Uncertain Significance.

Blueprint Genetics
Classification: Likely benign. Last evaluated: 2023-11-03. Review status: criteria provided, single submitter. Criteria: ACMG Guidelines, 2015. Collection method: clinical testing. Allele origin: germline.

Genome-Nilou Lab
Classification: Benign for Tuberous sclerosis 2. Last evaluated: 2021-11-07. Review status: criteria provided, single submitter. Criteria: ACMG Guidelines, 2015. Collection method: clinical testing. Allele origin: germline. Affected: no.

Ambry Genetics
Classification: Likely benign for Hereditary cancer-predisposing syndrome. Last evaluated: 2020-07-06. Review status: criteria provided, single submitter. Criteria: Ambry Variant Classification Scheme 2023. Collection method: clinical testing. Allele origin: germline.

GeneDx
Classification: Likely benign. Last evaluated: 2018-11-13. Review status: criteria provided, single submitter. Criteria: GeneDx Variant Classification Process June 2021. Collection method: clinical testing. Allele origin: germline. Affected: yes.
Comment: This variant is associated with the following publications: (PMID: 23514105)

Illumina Laboratory Services, Illumina
Classification: Likely benign for Tuberous sclerosis syndrome. Last evaluated: 2017-04-28. Review status: criteria provided, single submitter. Criteria: ICSL Variant Classification Criteria 13 December 2019. Collection method: clinical testing. Allele origin: germline.
Comment: This variant was observed as part of a predisposition screen in an ostensibly healthy population. A literature search was performed for the gene, cDNA change, and amino acid change (where applicable). No publications were found based on this search. Allele frequency data from public databases allowed determination this variant is unlikely to cause disease. Therefore, this variant is classified as likely benign.

PreventionGenetics, part of Exact Sciences
Classification: Likely benign for TSC2-related condition. Last evaluated: 2024-06-23. Review status: no assertion criteria provided. Collection method: clinical testing. Allele origin: germline. Not counted in ClinVar's aggregate classification.
Comment: This variant is classified as likely benign based on ACMG/AMP sequence variant interpretation guidelines (Richards et al. 2015 PMID: 25741868, with internal and published modifications).

Dr. Peter K. Rogan Lab, Western University
No classification provided (evidence only). Condition: Gastric cancer. Review status: no classification provided. Collection method: in vitro. Allele origin: not applicable. Functional consequence: retained intron. Not counted in ClinVar's aggregate classification.

Tuberous sclerosis database (TSC2)
No classification provided. Condition: TSC. Review status: no classification provided. Criteria: Tuberous Sclerosis Database Assertion Criteria 2015. Collection method: curation. Allele origin: germline. Affected: yes. Not counted in ClinVar's aggregate classification.